The following is an entry in ClinVar:

ClinVar aggregate classification (germline): Benign/Likely benign; other; risk factor. Review status: criteria provided, multiple submitters, no conflicts (2 of 4 stars). 20 submissions from 20 submitters: Benign (8); Likely benign (5). 5 of the submissions do not count toward it. Last evaluated 2026-07-01.

Conditions:
SPAST-related disorder. Also called: SPAST-related condition.
Hereditary spastic paraplegia. Also called: Familial spastic paraparesis. Identifiers: Orphanet 685, MedGen C0037773, MONDO:0019064. Disease mechanism: loss of function.
Hereditary spastic paraplegia 4. Also called: Spastic paraplegia 4, autosomal dominant; Spastic Paraplegia 4; Familial spastic paraplegia autosomal dominant 2. Identifiers: Orphanet 100985, MedGen C1866855, MONDO:0008438, OMIM 182601.
Spastic paraplegia 4, modifier of.
Cerebral palsy. Identifiers: MedGen C0007789, MONDO:0006497, HP:0100021.

Allele frequency attached by ClinVar (database versions not stated): 1000 Genomes Project 0.00120; 1000 Genomes Project 30x 0.00141; TOPMed 0.00463; gnomAD 0.00501 and 0.00521; ExAC 0.00541; gnomAD exomes 0.00827.
gnomAD v4.1: 12,656 of 1,612,216 alleles (0.79%); highest among the groups gnomAD compares: Non-Finnish European, 0.99%; 71 homozygotes.

Submissions (20):

CeGaT Center for Human Genetics Tuebingen
Classification: Benign. Last evaluated: 2026-07-01. Review status: criteria provided, single submitter. Criteria: CeGaT Center For Human Genetics Tuebingen Variant Classification Criteria Version 2. Collection method: clinical testing. Allele origin: germline. Affected: yes. Observed: 25 variant alleles.
Comment: SPAST: PP3, BS1, BS2

Labcorp Genetics (formerly Invitae), Labcorp
Classification: Likely benign for Hereditary spastic paraplegia 4. Last evaluated: 2026-01-21. Review status: criteria provided, single submitter. Criteria: Invitae Variant Classification Sherloc (09022015). Collection method: clinical testing. Allele origin: germline.

Blueprint Genetics
Classification: Likely benign. Last evaluated: 2024-11-22. Review status: criteria provided, single submitter. Criteria: ACMG Guidelines, 2015. Collection method: clinical testing. Allele origin: germline.

Fulgent Genetics
Classification: Likely benign for Hereditary spastic paraplegia 4. Last evaluated: 2022-01-13. Review status: criteria provided, single submitter. Criteria: ACMG Guidelines, 2015. Collection method: clinical testing. Allele origin: unknown.

Laboratory of Medical Genetics, National & Kapodistrian University of Athens
Classification: risk factor for Hereditary spastic paraplegia 4. Last evaluated: 2021-10-06. Review status: criteria provided, single submitter. Criteria: ACMG Guidelines, 2015. Collection method: clinical testing. Allele origin: unknown. Affected: yes.

Neurogenetics Research Program, University of Adelaide
Classification: other for Cerebral palsy. Last evaluated: 2021-06-10. Review status: criteria provided, single submitter. Criteria: ACMG Guidelines, 2015. Collection method: research. Allele origin: maternal, paternal. Affected: yes. Observed: 2 compound heterozygotes. Clinical features observed: Spastic diplegia (HP:0001264), Decreased mean corpuscular volume (HP:0025066), Delayed gross motor development (HP:0002194), Anemia (HP:0001903), Delayed myelination (HP:0012448).

Athena Diagnostics
Classification: Benign. Last evaluated: 2020-05-12. Review status: criteria provided, single submitter. Criteria: Athena Diagnostics Criteria. Collection method: clinical testing. Allele origin: unknown.

Genome Diagnostics Laboratory, The Hospital for Sick Children
Classification: Benign for Hereditary spastic paraplegia. Last evaluated: 2020-05-01. Review status: criteria provided, single submitter. Criteria: ACMG Guidelines, 2015. Collection method: clinical testing. Allele origin: germline. Affected: yes.

Mendelics
Classification: Benign for Hereditary spastic paraplegia 4. Last evaluated: 2019-05-28. Review status: criteria provided, single submitter. Criteria: Mendelics Assertion Criteria 2017. Collection method: clinical testing. Allele origin: unknown.

Illumina Laboratory Services, Illumina
Classification: Benign for Hereditary spastic paraplegia 4. Last evaluated: 2018-03-06. Review status: criteria provided, single submitter. Criteria: ICSL Variant Classification Criteria 13 December 2019. Collection method: clinical testing. Allele origin: germline.
Comment: This variant was observed in the ICSL laboratory as part of a predisposition screen in an ostensibly healthy population. It had not been previously curated by ICSL or reported in the Human Gene Mutation Database (HGMD: prior to June 1st, 2018), and was therefore a candidate for classification through an automated scoring system. Utilizing variant allele frequency, disease prevalence and penetrance estimates, and inheritance mode, an automated score was calculated to assess if this variant is too frequent to cause the disease. Based on the score and internal cut-off values, a variant classified as benign is not then subjected to further curation. The score for this variant resulted in a classification of benign for this disease.

Center for Pediatric Genomic Medicine, Children's Mercy Hospital and Clinics
Classification: Benign. Last evaluated: 2017-02-17. Review status: criteria provided, single submitter. Criteria: ACMG Guidelines, 2015. Collection method: clinical testing. Allele origin: germline.

GeneDx
Classification: Benign. Last evaluated: 2016-08-31. Review status: criteria provided, single submitter. Criteria: GeneDx Variant Classification (06012015). Collection method: clinical testing. Allele origin: germline. Affected: yes.
Comment: This variant is considered likely benign or benign based on one or more of the following criteria: it is a conservative change, it occurs at a poorly conserved position in the protein, it is predicted to be benign by multiple in silico algorithms, and/or has population frequency not consistent with disease.

Eurofins Ntd Llc (ga)
Classification: Benign. Last evaluated: 2016-04-05. Review status: criteria provided, single submitter. Criteria: EGL Classification Definitions 2015. Collection method: clinical testing. Allele origin: germline. Observed: 1 variant allele, 1 heterozygote.

Genome Diagnostics Laboratory, University Medical Center Utrecht
Classification: Likely benign for Hereditary spastic paraplegia 4. Last evaluated: 2014-10-09. Review status: criteria provided, single submitter. Criteria: ACGS Guidelines, 2013. Collection method: clinical testing. Allele origin: germline. Affected: yes. Study: VKGL Data-share Consensus.

Breakthrough Genomics
Classification: Likely benign. Review status: criteria provided, single submitter. Criteria: ACMG Guidelines, 2015. Collection method: not provided. Allele origin: germline. Inheritance: Autosomal dominant inheritance. Affected: yes.

PreventionGenetics, part of Exact Sciences
Classification: Benign for SPAST-related condition. Last evaluated: 2019-05-22. Review status: no assertion criteria provided. Collection method: clinical testing. Allele origin: germline. Not counted in ClinVar's aggregate classification.
Comment: This variant is classified as benign based on ACMG/AMP sequence variant interpretation guidelines (Richards et al. 2015 PMID: 25741868, with internal and published modifications).

OMIM
Classification: risk factor for SPASTIC PARAPLEGIA 4, MODIFIER OF. Last evaluated: 2006-07-11. Review status: no assertion criteria provided. Collection method: literature only. Allele origin: germline. Not counted in ClinVar's aggregate classification.

Diagnostic Laboratory, Department of Genetics, University Medical Center Groningen
Classification: Likely benign for Hereditary spastic paraplegia 4. Review status: no assertion criteria provided. Collection method: clinical testing. Allele origin: germline. Affected: yes. Study: VKGL Data-share Consensus. Not counted in ClinVar's aggregate classification.

GeneReviews
No classification provided. Condition: Hereditary spastic paraplegia 4. Review status: no classification provided. Collection method: literature only. Allele origin: germline. Not counted in ClinVar's aggregate classification.

Joint Genome Diagnostic Labs from Nijmegen and Maastricht, Radboudumc and MUMC+
Classification: Likely benign. Review status: no assertion criteria provided. Collection method: clinical testing. Allele origin: germline. Affected: yes. Study: VKGL Data-share Consensus. Not counted in ClinVar's aggregate classification.

Literature cited by the submitters: PubMed 34008892 (cited by Laboratory of Medical Genetics, National & Kapodistrian University of Athens); PubMed 11809724 (cited by Athena Diagnostics); PubMed 15248095 (cited by 3 submitters); PubMed 16832076 (cited by 3 submitters); PubMed 11015453 (cited by Athena Diagnostics and OMIM); PubMed 15326248 (cited by Athena Diagnostics and OMIM); PubMed 20562464 (cited by Athena Diagnostics); PubMed 18608088 (cited by Athena Diagnostics); PubMed 17594340 (cited by Athena Diagnostics); PubMed 20718791 (cited by Athena Diagnostics); PubMed 25341883 (cited by Athena Diagnostics); PubMed 22817815 (cited by Athena Diagnostics); PubMed 20665701 (cited by Athena Diagnostics); PubMed 20430936 (cited by Athena Diagnostics); PubMed 20214791 (cited by Athena Diagnostics); PubMed 23252998 (cited by Athena Diagnostics); PubMed 18701882 (cited by Athena Diagnostics); PubMed 27334366 (cited by Athena Diagnostics); PubMed 17916079 (cited by Athena Diagnostics); PubMed 28572275 (cited by Athena Diagnostics); PubMed 18613979 (cited by Athena Diagnostics); PubMed 27084228 (cited by Athena Diagnostics); PubMed 17895902 (cited by Athena Diagnostics); PubMed 20301339 (cited by GeneReviews).

NM_014946.4(SPAST):c.131C>T (p.Ser44Leu)

Gene: SPAST (spastin; plus strand). Cytogenetic location: 2p22.3.
Variant type: single nucleotide variant.
Coding change: c.131C>T on transcript NM_014946.4 (MANE Select); coding-DNA position 131, C replaced by T.
Protein change: p.Ser44Leu; replaces serine 44 with leucine.
Molecular consequence: missense variant.
Genome position (GRCh38, 1-based): chr2:32,063,962, C>T. VCF-style: chr2-32063962-C-T. GRCh37 (hg19) VCF-style: chr2-32289031-C-T.
Other names: c.131C>T, p.Ser44Leu (NM_001363823.2, NM_001363875.2, NM_001377959.1 and 1 more transcripts); short protein forms S44L.
Identifiers: ClinVar variation 5671 (VCV000005671.70), dbSNP rs121908515, ClinGen allele CA117669.